The following is an entry in ClinVar:

ClinVar aggregate classification (germline): Uncertain significance (1 of 4 stars; one submission).

Submission:

Labcorp Genetics (formerly Invitae), Labcorp
Classification: Uncertain significance. Last evaluated: 2022-01-06. Review status: criteria provided, single submitter. Criteria: Invitae Variant Classification Sherloc (09022015). Collection method: clinical testing. Allele origin: germline.
Comment: This sequence change replaces histidine, which is basic and polar, with glutamine, which is neutral and polar, at codon 2740 of the CDH23 protein (p.His2740Gln). In summary, the available evidence is currently insufficient to determine the role of this variant in disease. Therefore, it has been classified as a Variant of Uncertain Significance. Algorithms developed to predict the effect of missense changes on protein structure and function are either unavailable or do not agree on the potential impact of this missense change (SIFT: "Deleterious"; PolyPhen-2: "Not Available"; Align-GVGD: "Class C0"). ClinVar contains an entry for this variant (Variation ID: 956628). This variant has not been reported in the literature in individuals affected with CDH23-related conditions. This variant is not present in population databases (gnomAD no frequency).

NM_022124.6(CDH23):c.8220C>A (p.His2740Gln)

Gene: CDH23 (cadherin related 23; plus strand). Cytogenetic location: 10q22.1.
Variant type: single nucleotide variant.
Coding change: c.8220C>A on transcript NM_022124.6 (MANE Select); coding-DNA position 8220, C replaced by A.
Protein change: p.His2740Gln; replaces histidine 2740 with glutamine.
Molecular consequence: missense variant.
Genome position (GRCh38, 1-based): chr10:71,807,318, C>A. VCF-style: chr10-71807318-C-A. GRCh37 (hg19) VCF-style: chr10-73567075-C-A.
Other names: c.1500C>A, p.His500Gln (NM_001171933.1, NM_001171934.1); short protein forms H2740Q, H500Q.
Identifiers: ClinVar variation 956628 (VCV000956628.9), dbSNP rs1841759457, ClinGen allele CA377130924.